The following is an entry in ClinVar:

ClinVar aggregate classification (germline): Uncertain significance (1 of 4 stars; one submission).

Conditions:
Neonatal-onset encephalopathy with rigidity and seizures. Also called: Lethal neonatal spasticity-epileptic encephalopathy syndrome. Identifiers: Orphanet 435845, MedGen C3281029, MONDO:0013784, OMIM 614498.

Submission:

Labcorp Genetics (formerly Invitae), Labcorp
Classification: Uncertain significance for Neonatal-onset encephalopathy with rigidity and seizures. Last evaluated: 2018-04-03. Review status: criteria provided, single submitter. Criteria: Invitae Variant Classification Sherloc (09022015). Collection method: clinical testing. Allele origin: germline.
Comment: In summary, the available evidence is currently insufficient to determine the role of this variant in disease. Therefore, it has been classified as a Variant of Uncertain Significance. Algorithms developed to predict the effect of missense changes on protein structure and function output the following: SIFT: "Tolerated"; PolyPhen-2: "Benign"; Align-GVGD: "Class C0". The threonine amino acid residue is found in multiple mammalian species, suggesting that this missense change does not adversely affect protein function. These predictions have not been confirmed by published functional studies and their clinical significance is uncertain. This variant has not been reported in the literature in individuals with BRAT1-related disease. This variant is not present in population databases (ExAC no frequency). This sequence change replaces alanine with threonine at codon 757 of the BRAT1 protein (p.Ala757Thr). The alanine residue is weakly conserved and there is a small physicochemical difference between alanine and threonine.

NM_152743.4(BRAT1):c.2269G>A (p.Ala757Thr)

Gene: BRAT1 (BRCA1 associated ATM activator 1; minus strand). Cytogenetic location: 7p22.3.
Variant type: single nucleotide variant.
Coding change: c.2269G>A on transcript NM_152743.4 (MANE Select); coding-DNA position 2269, G replaced by A.
Protein change: p.Ala757Thr; replaces alanine 757 with threonine.
Molecular consequence: missense variant. On other transcripts: non-coding transcript variant (1).
Genome position (GRCh38, 1-based): chr7:2,538,266, C>T on the plus strand (G>A on the coding strand, the complement: BRAT1 is on the minus strand). VCF-style: chr7-2538266-C-T. GRCh37 (hg19) VCF-style: chr7-2577900-C-T.
Other names: c.2449G>A, p.Ala817Thr (NM_001350626.2); c.1744G>A, p.Ala582Thr (NM_001350627.2); short protein forms A757T, A817T, A582T.
Identifiers: ClinVar variation 566724 (VCV000566724.8), dbSNP rs1562564084, ClinGen allele CA366624030.